The following is an entry in ClinVar:

NM_152268.4(PARS2):c.843C>T (p.Asn281=)

Gene: PARS2 (prolyl-tRNA synthetase 2, mitochondrial; minus strand). Cytogenetic location: 1p32.3.
Variant type: single nucleotide variant.
Coding change: c.843C>T on transcript NM_152268.4 (MANE Select); coding-DNA position 843, C replaced by T.
Protein change: p.Asn281=; no amino-acid change (asparagine 281 retained).
Molecular consequence: synonymous variant.
Genome position (GRCh38, 1-based): chr1:54,758,319, G>A on the plus strand (C>T on the coding strand, the complement: PARS2 is on the minus strand). VCF-style: chr1-54758319-G-A. GRCh37 (hg19) VCF-style: chr1-55223992-G-A.
Identifiers: ClinVar variation 380172 (VCV000380172.43), dbSNP rs145005088, ClinGen allele CA869397.
Genomic context (GRCh38, chr1:54,758,319, plus strand): 5'-TTTAGTCAATGGGCCCTGGCAAGCAGGGCAGTTCATTTGTGACAAGTCTAGTGTCTCCAT[G>A]TTGGCTGAGAAGCTGCAGCGGGGACAGATGGCAAGCCGGTCCTCTCCAATATCCACTGGG-3'
Protein context (NP_689481.2, residues 271-291): AICPRCSFSA[Asn281=]METLDLSQMN

ClinVar aggregate classification (germline): Benign/Likely benign. Review status: criteria provided, multiple submitters, no conflicts (2 of 4 stars). 3 submissions from 3 submitters: Benign (2); Likely benign (1). Last evaluated 2026-08-01.

Allele frequency attached by ClinVar (database versions not stated): 1000 Genomes Project 0.00280; TOPMed 0.00357; gnomAD 0.00401 and 0.00425; gnomAD exomes 0.00483 and 0.00486; ESP Exome Variant Server 0.00492; ExAC 0.00507; 1000 Genomes Project 30x 0.00265.
gnomAD v4.1: 7,700 of 1,614,214 alleles (0.48%); highest among the groups gnomAD compares: Middle Eastern, 0.96%; 31 homozygotes.

Submissions (3):

CeGaT Center for Human Genetics Tuebingen
Classification: Likely benign. Last evaluated: 2026-08-01. Review status: criteria provided, single submitter. Criteria: CeGaT Center For Human Genetics Tuebingen Variant Classification Criteria Version 2. Collection method: clinical testing. Allele origin: germline. Affected: yes. Observed: 31 variant alleles.
Comment: PARS2: BP4, BP7, BS2

Labcorp Genetics (formerly Invitae), Labcorp
Classification: Benign. Last evaluated: 2026-01-26. Review status: criteria provided, single submitter. Criteria: Invitae Variant Classification Sherloc (09022015). Collection method: clinical testing. Allele origin: germline.

GeneDx
Classification: Benign. Last evaluated: 2016-05-26. Review status: criteria provided, single submitter. Criteria: GeneDx Variant Classification (06012015). Collection method: clinical testing. Allele origin: germline. Affected: yes.
Comment: This variant is considered likely benign or benign based on one or more of the following criteria: it is a conservative change, it occurs at a poorly conserved position in the protein, it is predicted to be benign by multiple in silico algorithms, and/or has population frequency not consistent with disease.